The following is an entry in ClinVar:

NM_004415.4(DSP):c.1469G>A (p.Arg490His)

Gene: DSP (desmoplakin; plus strand). Cytogenetic location: 6p24.3.
Variant type: single nucleotide variant.
Coding change: c.1469G>A on transcript NM_004415.4 (MANE Select); coding-DNA position 1469, G replaced by A.
Protein change: p.Arg490His; replaces arginine 490 with histidine.
Molecular consequence: missense variant.
Genome position (GRCh38, 1-based): chr6:7,569,235, G>A. VCF-style: chr6-7569235-G-A. GRCh37 (hg19) VCF-style: chr6-7569468-G-A.
Other names: c.1469G>A (LRG_423t1); c.1469G>A, p.Arg490His (NM_001008844.3, NM_001319034.2); short protein forms R490H.
Identifiers: ClinVar variation 357940 (VCV000357940.22), dbSNP rs747815091, ClinGen allele CA028300.

ClinVar aggregate classification (germline): Conflicting classifications of pathogenicity. Review status: criteria provided, conflicting classifications (1 of 4 stars). 4 submissions from 4 submitters: Uncertain significance (3); Likely benign (1). Last evaluated 2026-01-16.

Conditions:
Cardiomyopathy (CMYO). Also called: Cardiomyopathies. Identifiers: Orphanet 167848, MedGen C0878544, MONDO:0004994, HP:0001638. Inheritance: Various modes of inheritance.
Cardiovascular phenotype. Identifiers: MedGen CN230736.
Arrhythmogenic cardiomyopathy with wooly hair and keratoderma. Also called: PALMOPLANTAR KERATODERMA WITH LEFT VENTRICULAR CARDIOMYOPATHY AND WOOLLY HAIR; Carvajal syndrome; Dilated cardiomyopathy with woolly hair and keratoderma; Arrhythmogenic cardiomyopathy with woolly hair and keratoderma. Identifiers: Orphanet 65282, MedGen C1854063, MONDO:0011581, OMIM 605676.
Arrhythmogenic right ventricular dysplasia 8 (ARVD8). Also called: ARRHYTHMOGENIC RIGHT VENTRICULAR DYSPLASIA, FAMILIAL, 8; ARRHYTHMOGENIC RIGHT VENTRICULAR CARDIOMYOPATHY 8; Arrhythmogenic Right Ventricular Dysplasia/Cardiomyopathy 8. Identifiers: MedGen C1843896, MONDO:0011831, OMIM 607450.

Allele frequency attached by ClinVar (database versions not stated): gnomAD exomes 0.00001 and 0.00004; TOPMed 0.00003; ExAC 0.00004.
gnomAD v4.1: 27 of 1,614,048 alleles (0.0017%); highest among the groups gnomAD compares: Middle Eastern, 0.016%; no homozygotes.

Submissions (4):

Labcorp Genetics (formerly Invitae), Labcorp
Classification: Likely benign for Arrhythmogenic cardiomyopathy with wooly hair and keratoderma; Arrhythmogenic right ventricular dysplasia 8. Last evaluated: 2026-01-16. Review status: criteria provided, single submitter. Criteria: Invitae Variant Classification Sherloc (09022015). Collection method: clinical testing. Allele origin: germline.

All of Us Research Program, National Institutes of Health
Classification: Uncertain significance for Arrhythmogenic cardiomyopathy with wooly hair and keratoderma. Last evaluated: 2023-11-20. Review status: criteria provided, single submitter. Criteria: ACMG Guidelines, 2015. Collection method: clinical testing. Allele origin: germline. Inheritance: Autosomal dominant inheritance. Observed: 6 variant alleles, 6 heterozygotes.
Comment: This missense variant replaces arginine with histidine at codon 490 of the DSP protein. Computational prediction is inconclusive regarding the impact of this variant on protein structure and function (internally defined REVEL score threshold 0.5 < inconclusive < 0.7, PMID: 27666373). To our knowledge, functional studies have not been reported for this variant. This variant has not been reported in individuals affected with cardiovascular disorders in the literature. This variant has been identified in 9/251436 chromosomes in the general population by the Genome Aggregation Database (gnomAD). The available evidence is insufficient to determine the role of this variant in disease conclusively. Therefore, this variant is classified as a Variant of Uncertain Significance.

This study involves interpretation of variants in research participants for the purpose of population health screening. Participant phenotype was not available at the time of variant classification. Additional details can be found in publication PMID: 35346344, PMCID: PMC8962531

Color Diagnostics, LLC DBA Color Health
Classification: Uncertain significance for Cardiomyopathy. Last evaluated: 2023-11-01. Review status: criteria provided, single submitter. Criteria: ACMG Guidelines, 2015. Collection method: clinical testing. Allele origin: germline.
Comment: This missense variant replaces arginine with histidine at codon 490 of the DSP protein. Computational prediction is inconclusive regarding the impact of this variant on protein structure and function (internally defined REVEL score threshold 0.5 < inconclusive < 0.7, PMID: 27666373). To our knowledge, functional studies have not been reported for this variant. This variant has not been reported in individuals affected with cardiovascular disorders in the literature. This variant has been identified in 9/251436 chromosomes in the general population by the Genome Aggregation Database (gnomAD). The available evidence is insufficient to determine the role of this variant in disease conclusively. Therefore, this variant is classified as a Variant of Uncertain Significance.

Ambry Genetics
Classification: Uncertain significance for Cardiovascular phenotype. Last evaluated: 2023-06-13. Review status: criteria provided, single submitter. Criteria: Ambry Variant Classification Scheme 2023. Collection method: clinical testing. Allele origin: germline.
Comment: The p.R490H variant (also known as c.1469G>A), located in coding exon 12 of the DSP gene, results from a G to A substitution at nucleotide position 1469. The arginine at codon 490 is replaced by histidine, an amino acid with highly similar properties. This amino acid position is highly conserved in available vertebrate species. In addition, this alteration is predicted to be deleterious by in silico analysis. Since supporting evidence is limited at this time, the clinical significance of this alteration remains unclear.